The following is an entry in ClinVar:

ClinVar aggregate classification (germline): Uncertain significance (1 of 4 stars; one submission).

Submission:

Greenwood Genetic Center Diagnostic Laboratories, Greenwood Genetic Center
Classification: Uncertain significance. Last evaluated: 2025-04-30. Review status: criteria provided, single submitter. Criteria: ACMG Guidelines, 2015. Collection method: clinical testing. Allele origin: germline. Affected: yes.
Comment: PM2, PP2, PP3

NM_001999.4(FBN2):c.1034G>A (p.Cys345Tyr)

Gene: FBN2 (fibrillin 2; minus strand). Cytogenetic location: 5q23.3.
Variant type: single nucleotide variant.
Coding change: c.1034G>A on transcript NM_001999.4 (MANE Select); coding-DNA position 1034, G replaced by A.
Protein change: p.Cys345Tyr; replaces cysteine 345 with tyrosine.
Molecular consequence: missense variant.
Genome position (GRCh38, 1-based): chr5:128,408,718, C>T on the plus strand (G>A on the coding strand, the complement: FBN2 is on the minus strand). VCF-style: chr5-128408718-C-T. GRCh37 (hg19) VCF-style: chr5-127744411-C-T.
Other names: short protein forms C345Y.
Identifiers: ClinVar variation 4538199 (VCV004538199.1).